The following is an entry in ClinVar:

ClinVar aggregate classification (germline): Pathogenic/Likely pathogenic. Review status: criteria provided, multiple submitters, no conflicts (2 of 4 stars). 8 submissions from 8 submitters: Pathogenic (1); Likely pathogenic (6). 1 of the submissions does not count toward it. Last evaluated 2025-10-03.

Conditions:
Polycystic kidney disease 4 (PKD4). Also called: POLYCYSTIC KIDNEY AND HEPATIC DISEASE 1; POLYCYSTIC KIDNEY DISEASE, INFANTILE, TYPE I; PKD3; Autosomal Recessive Polycystic Kidney Disease – PKHD1; POLYCYSTIC KIDNEY DISEASE 4 WITH OR WITHOUT POLYCYSTIC LIVER DISEASE. Identifiers: MedGen C4540575, MONDO:0033004, OMIM 263200.
Autosomal recessive polycystic kidney disease (ARPKD). Also called: AR polycystic kidney disease. Identifiers: Orphanet 731, Orphanet 8378, MedGen C0085548, MeSH D017044, MONDO:0009889.

Allele frequency attached by ClinVar (database versions not stated): ExAC 0.00003; gnomAD exomes 0.00004 and 0.00002.

Submissions (8):

Natera, Inc.
Classification: Likely pathogenic for Autosomal recessive polycystic kidney disease. Last evaluated: 2025-10-03. Review status: criteria provided, single submitter. Criteria: Natera Variant Classification Schema (03/2026). Collection method: clinical testing. Allele origin: germline.
Comment: The c.11665+1G>A variant in PKHD1 is a canonical splice donor site variant predicted to affect pre-mRNA splicing, which may result in an abnormal transcript and altered protein product. This variant is expected to result in nonsense mediated decay, truncation, or a dysfunctional protein product. This variant is rare in the general population with a frequency below the threshold expected for the associated phenotype(s). Given the available evidence, this variant is classified as Likely Pathogenic.

Revvity Omics, Revvity
Classification: Likely pathogenic for Polycystic kidney disease 4. Last evaluated: 2025-06-17. Review status: criteria provided, single submitter. Criteria: ACMG Guidelines, 2015. Collection method: clinical testing. Allele origin: germline.

First Genomix Gene Laboratory, Genetic Diagnostics Department
Classification: Likely pathogenic for Polycystic kidney disease 4. Last evaluated: 2025-05-08. Review status: criteria provided, single submitter. Criteria: ACMG Guidelines, 2015. Collection method: clinical testing. Allele origin: germline. Inheritance: Autosomal recessive inheritance. Affected: no. Observed: 1 variant allele.

Labcorp Genetics (formerly Invitae), Labcorp
Classification: Likely pathogenic for Autosomal recessive polycystic kidney disease. Last evaluated: 2025-04-21. Review status: criteria provided, single submitter. Criteria: Invitae Variant Classification Sherloc (09022015). Collection method: clinical testing. Allele origin: germline.
Comment: This sequence change affects a donor splice site in intron 65 of the PKHD1 gene. It is expected to disrupt RNA splicing. Variants that disrupt the donor or acceptor splice site typically lead to a loss of protein function (PMID: 16199547), and loss-of-function variants in PKHD1 are known to be pathogenic (PMID: 19940839). This variant is present in population databases (rs759851475, gnomAD 0.03%). This variant has not been reported in the literature in individuals affected with PKHD1-related conditions. ClinVar contains an entry for this variant (Variation ID: 555624). Algorithms developed to predict the effect of sequence changes on RNA splicing suggest that this variant may disrupt the consensus splice site. In summary, the currently available evidence indicates that the variant is pathogenic, but additional data are needed to prove that conclusively. Therefore, this variant has been classified as Likely Pathogenic.

Women's Health and Genetics/Laboratory Corporation of America, LabCorp
Classification: Likely pathogenic for Autosomal recessive polycystic kidney disease. Last evaluated: 2025-04-10. Review status: criteria provided, single submitter. Criteria: LabCorp Variant Classification Summary - May 2015. Collection method: clinical testing. Allele origin: germline.
Comment: Variant summary: PKHD1 c.11665+1G>A is located in a canonical splice-site and is predicted to affect mRNA splicing resulting in a significantly altered protein due to either exon skipping, shortening, or inclusion of intronic material. Variants that disrupt the consensus splice site are a relatively common cause of aberrant splicing and loss of PKHD1 function. Several computational tools predict a significant impact on normal splicing: Four predict the variant abolishes a canonical 5' splicing donor site. However, these predictions have yet to be confirmed by functional studies. The variant allele was found at a frequency of 3.6e-05 in 250310 control chromosomes (gnomAD). To our knowledge, no occurrence of c.11665+1G>A in individuals affected with Polycystic Kidney And Hepatic Disease and no experimental evidence demonstrating its impact on protein function have been reported. ClinVar contains an entry for this variant (Variation ID: 555624). Based on the evidence outlined above, the variant was classified as likely pathogenic.

Fulgent Genetics
Classification: Likely pathogenic for Polycystic kidney disease 4. Last evaluated: 2024-02-27. Review status: criteria provided, single submitter. Criteria: ACMG Guidelines, 2015. Collection method: clinical testing. Allele origin: germline.

Baylor Genetics
Classification: Pathogenic for Polycystic kidney disease 4. Last evaluated: 2024-01-29. Review status: criteria provided, single submitter. Criteria: ACMG Guidelines, 2015. Collection method: clinical testing. Allele origin: unknown.

Counsyl
Classification: Likely pathogenic for Polycystic kidney disease 4. Last evaluated: 2017-12-14. Review status: no assertion criteria provided. Collection method: clinical testing. Allele origin: unknown. Not counted in ClinVar's aggregate classification.

Literature cited by the submitters: PubMed 16199547 (cited by Labcorp Genetics (formerly Invitae), Labcorp); PubMed 19940839 (cited by Labcorp Genetics (formerly Invitae), Labcorp).

NM_138694.4(PKHD1):c.11665+1G>A

Gene: PKHD1 (PKHD1 ciliary IPT domain containing fibrocystin/polyductin; minus strand). Cytogenetic location: 6p12.3.
Variant type: single nucleotide variant.
Coding change: c.11665+1G>A on transcript NM_138694.4 (MANE Select); the canonical splice donor site of the intron after coding-DNA position 11665, G replaced by A.
Molecular consequence: splice donor variant.
Genome position (GRCh38, 1-based): chr6:51,632,564, C>T on the plus strand (G>A on the coding strand, the complement: PKHD1 is on the minus strand). VCF-style: chr6-51632564-C-T. GRCh37 (hg19) VCF-style: chr6-51497362-C-T.
Identifiers: ClinVar variation 555624 (VCV000555624.25), dbSNP rs759851475, ClinGen allele CA3850767.